The following is an entry in ClinVar:

ClinVar aggregate classification (germline): Uncertain significance. Review status: criteria provided, multiple submitters, no conflicts (2 of 4 stars). 2 submissions from 2 submitters: Uncertain significance (2). Last evaluated 2024-05-28.

Conditions:
Larsen syndrome (LRS). Also called: Larsen syndrome (FLNB-LS); Bilateral dislocation of the knees, pes cavus, cylindrically shaped fingers and characteristic facies. Identifiers: Orphanet 503, MedGen C0175778, MONDO:0007875, OMIM 150250. Disease mechanism: loss of function.

Allele frequency attached by ClinVar (database versions not stated): gnomAD exomes below 0.00001; TOPMed 0.00001; ESP Exome Variant Server 0.00008.
gnomAD v4.1: 4 of 1,613,860 alleles (0.00025%); highest among the groups gnomAD compares: Non-Finnish European, 0.00034%; no homozygotes.

Submissions (2):

Labcorp Genetics (formerly Invitae), Labcorp
Classification: Uncertain significance. Last evaluated: 2024-05-28. Review status: criteria provided, single submitter. Criteria: Invitae Variant Classification Sherloc (09022015). Collection method: clinical testing. Allele origin: germline.
Comment: This sequence change replaces glutamic acid, which is acidic and polar, with lysine, which is basic and polar, at codon 2332 of the FLNB protein (p.Glu2332Lys). This variant is not present in population databases (gnomAD no frequency). This variant has not been reported in the literature in individuals affected with FLNB-related conditions. ClinVar contains an entry for this variant (Variation ID: 2573059). Advanced modeling of protein sequence and biophysical properties (such as structural, functional, and spatial information, amino acid conservation, physicochemical variation, residue mobility, and thermodynamic stability) performed at Invitae indicates that this missense variant is not expected to disrupt FLNB protein function with a negative predictive value of 95%. In summary, the available evidence is currently insufficient to determine the role of this variant in disease. Therefore, it has been classified as a Variant of Uncertain Significance.

MVZ Martinsried, Medicover Genetics
Classification: Uncertain significance for Larsen syndrome. Last evaluated: 2023-04-18. Review status: criteria provided, single submitter. Criteria: ACGS Guidelines, 2020. Collection method: clinical testing. Allele origin: inherited. Affected: yes.

NM_001457.4(FLNB):c.6994G>A (p.Glu2332Lys)

Gene: FLNB (filamin B; plus strand). Cytogenetic location: 3p14.3.
Variant type: single nucleotide variant.
Coding change: c.6994G>A on transcript NM_001457.4 (MANE Select); coding-DNA position 6994, G replaced by A.
Protein change: p.Glu2332Lys; replaces glutamic acid 2332 with lysine.
Molecular consequence: missense variant.
Genome position (GRCh38, 1-based): chr3:58,159,659, G>A. VCF-style: chr3-58159659-G-A. GRCh37 (hg19) VCF-style: chr3-58145386-G-A.
Other names: c.7087G>A, p.Glu2363Lys (NM_001164317.2); c.6961G>A, p.Glu2321Lys (NM_001164318.2); c.6922G>A, p.Glu2308Lys (NM_001164319.2); short protein forms E2308K, E2321K, E2332K, E2363K.
Identifiers: ClinVar variation 2573059 (VCV002573059.3), dbSNP rs139262140, ClinGen allele CA75480426.
Genomic context (GRCh38, chr3:58,159,659, plus strand): 5'-TTGAATGGCGCAAAAGGCAAGATTGATGCAAAGGTGCACAGCCCCTCTGGAGCCGTGGAG[G>A]AGTGCCACGTGTCTGAGCTGGAGCCAGGTGAGCAGGAGGCCTGCTGGGGGGTCCCAGCAC-3'
Protein context (NP_001448.2, residues 2322-2342): KVHSPSGAVE[Glu2332Lys]CHVSELEPDK